The following is an entry in ClinVar:

ClinVar aggregate classification (germline): Uncertain significance. Review status: criteria provided, multiple submitters, no conflicts (2 of 4 stars). 3 submissions from 3 submitters: Uncertain significance (3). Last evaluated 2026-04-12.

Conditions:
Hereditary cancer-predisposing syndrome. Also called: Hereditary neoplastic syndrome; Tumor predisposition; Hereditary Cancer Syndrome; Neoplastic Syndromes, Hereditary. Identifiers: Orphanet 140162, MedGen C0027672, MeSH D009386, MONDO:0015356.
POLD1-related polyposis and colorectal cancer syndrome (CRCS10). Also called: Colorectal cancer, susceptibility to, 10; Colorectal cancer 10; COLORECTAL CANCER, SUSCEPTIBILITY TO, ON CHROMOSOME 19q. Identifiers: Orphanet 220460, MedGen C2675481, MONDO:0012953, OMIM 612591.

Submissions (3):

Ambry Genetics
Classification: Uncertain significance for Hereditary cancer-predisposing syndrome. Last evaluated: 2026-04-12. Review status: criteria provided, single submitter. Criteria: Ambry Variant Classification Scheme 2023. Collection method: clinical testing. Allele origin: germline.
Comment: The p.L463M variant (also known as c.1387C>A), located in coding exon 11 of the POLD1 gene, results from a C to A substitution at nucleotide position 1387. The leucine at codon 463 is replaced by methionine, an amino acid with highly similar properties. This amino acid position is conserved. In addition, this alteration is predicted to be tolerated by in silico analysis. Based on the available evidence, the clinical significance of this variant remains unclear.

Labcorp Genetics (formerly Invitae), Labcorp
Classification: Uncertain significance for POLD1-related polyposis and colorectal cancer syndrome. Last evaluated: 2024-10-07. Review status: criteria provided, single submitter. Criteria: Invitae Variant Classification Sherloc (09022015). Collection method: clinical testing. Allele origin: germline.
Comment: This sequence change replaces leucine, which is neutral and non-polar, with methionine, which is neutral and non-polar, at codon 463 of the POLD1 protein (p.Leu463Met). This variant is not present in population databases (gnomAD no frequency). This variant has not been reported in the literature in individuals affected with POLD1-related conditions. ClinVar contains an entry for this variant (Variation ID: 648501). Invitae Evidence Modeling of protein sequence and biophysical properties (such as structural, functional, and spatial information, amino acid conservation, physicochemical variation, residue mobility, and thermodynamic stability) indicates that this missense variant is not expected to disrupt POLD1 protein function with a negative predictive value of 80%. In summary, the available evidence is currently insufficient to determine the role of this variant in disease. Therefore, it has been classified as a Variant of Uncertain Significance.

Baylor Genetics
Classification: Uncertain significance for POLD1-related polyposis and colorectal cancer syndrome. Last evaluated: 2023-10-02. Review status: criteria provided, single submitter. Criteria: ACMG Guidelines, 2015. Collection method: clinical testing. Allele origin: unknown.

NM_002691.4(POLD1):c.1387C>A (p.Leu463Met)

Gene: POLD1 (DNA polymerase delta 1, catalytic subunit; plus strand). Cytogenetic location: 19q13.33.
Variant type: single nucleotide variant.
Coding change: c.1387C>A on transcript NM_002691.4 (MANE Select); coding-DNA position 1387, C replaced by A.
Protein change: p.Leu463Met; replaces leucine 463 with methionine.
Molecular consequence: missense variant. On other transcripts: non-coding transcript variant (1).
Genome position (GRCh38, 1-based): chr19:50,406,410, C>A. VCF-style: chr19-50406410-C-A. GRCh37 (hg19) VCF-style: chr19-50909667-C-A.
Other names: c.1387C>A, p.Leu463Met (NM_001256849.1, NM_001308632.1); c.1387C>A (NM_002691.2); short protein forms L463M.
Identifiers: ClinVar variation 648501 (VCV000648501.10), dbSNP rs1601216589, ClinGen allele CA406980016.
Genomic context (GRCh38, chr19:50,406,410, plus strand): 5'-TGTCCTTGGAAGGCCACTGCCCAGGCCCGCAGCCCACCAGCCCACCCACCCACCTAGGTG[C>A]TGCTGCGGGAGTACAAGCTCCGCTCCTACACGCTCAATGCCGTGAGCTTCCACTTCCTGG-3'
Protein context (NP_002682.2, residues 453-473): GRVQMDMLQV[Leu463Met]LREYKLRSYT